The following is an entry in ClinVar:

NM_001184880.2(PCDH19):c.3315T>C (p.Pro1105=)

Gene: PCDH19 (protocadherin 19; minus strand). Cytogenetic location: Xq22.1.
Variant type: single nucleotide variant.
Coding change: c.3315T>C on transcript NM_001184880.2 (MANE Select); coding-DNA position 3315, T replaced by C.
Protein change: p.Pro1105=; no amino-acid change (proline 1105 retained).
Molecular consequence: synonymous variant.
Genome position (GRCh38, 1-based): chrX:100,296,409, A>G on the plus strand (T>C on the coding strand, the complement: PCDH19 is on the minus strand). VCF-style: chrX-100296409-A-G. GRCh37 (hg19) VCF-style: chrX-99551407-A-G.
Other names: c.3174T>C, p.Pro1058= (NM_001105243.2); c.3171T>C, p.Pro1057= (NM_020766.3).
Identifiers: ClinVar variation 5041752 (VCV005041752.1).
Genomic context (GRCh38, chrX:100,296,409, plus strand): 5'-GACCTCATGCATGACTTTCTCGCTATCAGCTCCACGGGGCTCAGCTTCAGAGGGACGAGT[A>G]GGGCCATTGTTGACATTGTTGACATACTGCTCCAGATCACGGGCTGGGGGAGCCAGGGCA-3'
Protein context (NP_001171809.1, residues 1095-1115): EQYVNNVNNG[Pro1105=]TRPSEAEPRG

ClinVar aggregate classification (germline): Likely benign (1 of 4 stars; one submission).

Submission:

CeGaT Center for Human Genetics Tuebingen
Classification: Likely benign. Last evaluated: 2026-09-01. Review status: criteria provided, single submitter. Criteria: CeGaT Center For Human Genetics Tuebingen Variant Classification Criteria Version 2. Collection method: clinical testing. Allele origin: germline. Affected: yes. Observed: 1 variant allele.
Comment: PCDH19: PM2:Supporting, BP4, BP7